The following is an entry in ClinVar:

NC_000023.10:g.(?_32834565)_(32841524_?)del

Gene: DMD (dystrophin; minus strand). Cytogenetic location: Xp21.1.
Variant type: Deletion.
Identifiers: ClinVar variation 3248319 (VCV003248319.1).

ClinVar aggregate classification (germline): Pathogenic (1 of 4 stars; one submission).

Conditions:
Duchenne muscular dystrophy (DMD). Also called: MUSCULAR DYSTROPHY, PSEUDOHYPERTROPHIC PROGRESSIVE, DUCHENNE TYPE; Duchenne Muscular Dystrophy (DMD). Identifiers: Orphanet 98896, MedGen C0013264, MONDO:0010679, OMIM 310200.

Submission:

Labcorp Genetics (formerly Invitae), Labcorp
Classification: Pathogenic for Duchenne muscular dystrophy. Last evaluated: 2022-02-22. Review status: criteria provided, single submitter. Criteria: Invitae Variant Classification Sherloc (09022015). Collection method: clinical testing. Allele origin: unknown.
Comment: For these reasons, this variant has been classified as Pathogenic. A similar copy number variant has been observed in individuals with DMD-related conditions (PMID: 31379145, 31705731). This variant is a gross deletion of the genomic region encompassing exon(s) 5-6 of the DMD gene. This deletion is out-of-frame, and is expected to create a premature termination codon and result in an absent or disrupted protein product. Loss-of-function variants in DMD are known to be pathogenic (PMID: 16770791, 25007885).

Literature cited by the submitters: PubMed 31379145; PubMed 31705731; PubMed 16770791; PubMed 25007885.